The following is an entry in ClinVar:

NM_001190274.2(FBXO11):c.2445_2446dup (p.Asp816fs)

Genes: FBXO11 (F-box protein 11; minus strand), MSH6 (mutS homolog 6; plus strand). Cytogenetic location: 2p16.3.
Variant type: Duplication.
Coding change: c.2445_2446dup on transcript NM_001190274.2 (MANE Select); coding-DNA positions 2445 to 2446, 2 bases duplicated (AG; older notation c.2445_2446dupAG).
Protein change: p.Asp816fs; shifts the reading frame from aspartic acid 816.
Molecular consequence: frameshift variant. On other transcripts: intron variant (6).
Genome position (GRCh38, 1-based): chr2:47,809,600-47,809,601, CT duplicated on the plus strand (AG on the coding strand, the reverse complement: FBXO11 is on the minus strand). VCF-style (leftmost placement, unchanged base first): chr2-47809599-C-CCT. GRCh37 (hg19) VCF-style: chr2-48036738-C-CCT.
Other names: c.*41-399_*41-398dup (NM_001406828.1, NM_001406796.1, NM_001406811.1 and 2 more transcripts); c.2193_2194dup, p.Asp732fs (NM_001374325.1, NM_025133.4); c.*44-399_*44-398dup (NM_001406809.1); short protein forms D732fs, D816fs.
Identifiers: ClinVar variation 4531262 (VCV004531262.1).

ClinVar aggregate classification (germline): Likely pathogenic (1 of 4 stars; one submission).

Conditions:
Intellectual developmental disorder with dysmorphic facies and behavioral abnormalities. Identifiers: MedGen C4748135, MONDO:0060760, OMIM 618089.

Submission:

Juno Genomics, Hangzhou Juno Genomics, Inc
Classification: Likely pathogenic for Intellectual developmental disorder with dysmorphic facies and behavioral abnormalities. Review status: criteria provided, single submitter. Criteria: ACMG Guidelines, 2015. Collection method: clinical testing. Allele origin: germline. Affected: yes.
Comment: Absent from controls (or at extremely low frequency if recessive) in Genome Aggregation Database, Exome Sequencing Project, 1000 Genomes Project, or Exome Aggregation Consortium.;Null variant in a gene where loss of function (LOF) is a known mechanism of disease.